The following is an entry in ClinVar:

NM_014336.5(AIPL1):c.937G>A (p.Ala313Thr)

Gene: AIPL1 (AIP like 1 HSP90 co-chaperone; minus strand). Cytogenetic location: 17p13.2.
Variant type: single nucleotide variant.
Coding change: c.937G>A on transcript NM_014336.5 (MANE Select); coding-DNA position 937, G replaced by A.
Protein change: p.Ala313Thr; replaces alanine 313 with threonine.
Molecular consequence: missense variant. On other transcripts: 3 prime UTR variant (1).
Genome position (GRCh38, 1-based): chr17:6,425,678, C>T on the plus strand (G>A on the coding strand, the complement: AIPL1 is on the minus strand). VCF-style: chr17-6425678-C-T. GRCh37 (hg19) VCF-style: chr17-6328998-C-T.
Other names: c.748G>A, p.Ala250Thr (NM_001033054.3); c.757G>A, p.Ala253Thr (NM_001033055.3); c.901G>A, p.Ala301Thr (NM_001285399.3); c.871G>A, p.Ala291Thr (NM_001285400.3); c.865G>A, p.Ala289Thr (NM_001285401.3); c.820G>A, p.Ala274Thr (NM_001285402.2); c.*908G>A (NM_001285403.4); short protein forms A250T, A253T, A274T, A289T, A291T, A301T, A313T.
Identifiers: ClinVar variation 1713604 (VCV001713604.5), dbSNP rs115681466, ClinGen allele CA287323859.

ClinVar aggregate classification (germline): Uncertain significance (1 of 4 stars; one submission).

Conditions:
Leber congenital amaurosis 4 (LCA4). Identifiers: MedGen C1858386, MONDO:0011458, OMIM 604393.

Submission:

Labcorp Genetics (formerly Invitae), Labcorp
Classification: Uncertain significance for Leber congenital amaurosis 4. Last evaluated: 2022-07-23. Review status: criteria provided, single submitter. Criteria: Invitae Variant Classification Sherloc (09022015). Collection method: clinical testing. Allele origin: germline.
Comment: In summary, the available evidence is currently insufficient to determine the role of this variant in disease. Therefore, it has been classified as a Variant of Uncertain Significance. Algorithms developed to predict the effect of missense changes on protein structure and function (SIFT, PolyPhen-2, Align-GVGD) all suggest that this variant is likely to be tolerated. This variant has not been reported in the literature in individuals affected with AIPL1-related conditions. This variant is not present in population databases (gnomAD no frequency). This sequence change replaces alanine, which is neutral and non-polar, with threonine, which is neutral and polar, at codon 313 of the AIPL1 protein (p.Ala313Thr).